The following is an entry in ClinVar:

ClinVar aggregate classification (germline): Uncertain significance (1 of 4 stars; one submission).

Conditions:
Inborn genetic diseases. Identifiers: MedGen C0950123, MeSH D030342.

Submission:

Ambry Genetics
Classification: Uncertain significance for Inborn genetic diseases. Last evaluated: 2025-06-14. Review status: criteria provided, single submitter. Criteria: Ambry Variant Classification Scheme 2023. Collection method: clinical testing. Allele origin: germline.
Comment: The p.A472G variant (also known as c.1415C>G), located in coding exon 8 of the RECQL4 gene, results from a C to G substitution at nucleotide position 1415. The alanine at codon 472 is replaced by glycine, an amino acid with similar properties. This amino acid position is conserved. In addition, the in silico prediction for this alteration is inconclusive. Based on the available evidence, the clinical significance of this variant remains unclear.

NM_004260.4(RECQL4):c.1415C>G (p.Ala472Gly)

Gene: RECQL4 (RecQ like helicase 4; minus strand). Cytogenetic location: 8q24.3.
Variant type: single nucleotide variant.
Coding change: c.1415C>G on transcript NM_004260.4 (MANE Select); coding-DNA position 1415, C replaced by G.
Protein change: p.Ala472Gly; replaces alanine 472 with glycine.
Molecular consequence: missense variant. On other transcripts: 5 prime UTR variant (1), non-coding transcript variant (3).
Genome position (GRCh38, 1-based): chr8:144,515,218, G>C on the plus strand (C>G on the coding strand, the complement: RECQL4 is on the minus strand). VCF-style: chr8-144515218-G-C. GRCh37 (hg19) VCF-style: chr8-145740602-G-C.
Other names: c.1319C>G, p.Ala440Gly (NM_001413017.1, NM_001413020.1); c.1415C>G, p.Ala472Gly (NM_001413018.1, NM_001413019.1, NM_001413033.1 and 2 more transcripts); c.344C>G, p.Ala115Gly (NM_001413021.1, NM_001413022.1, NM_001413023.1 and 8 more transcripts); c.1286C>G, p.Ala429Gly (NM_001413025.1); c.278C>G, p.Ala93Gly (NM_001413027.1, NM_001413030.1, NM_001413031.1 and 2 more transcripts); c.1064C>G, p.Ala355Gly (NM_001413029.1); c.-53C>G (NM_001413043.1); short protein forms A355G, A440G, A115G, A472G, A429G, A93G.
Identifiers: ClinVar variation 3944366 (VCV003944366.1).